The following is an entry in ClinVar:

NM_002637.4(PHKA1):c.3144T>C (p.Asp1048=)

Gene: PHKA1 (phosphorylase kinase regulatory subunit alpha 1; minus strand). Cytogenetic location: Xq13.1.
Variant type: single nucleotide variant.
Coding change: c.3144T>C on transcript NM_002637.4 (MANE Select); coding-DNA position 3144, T replaced by C.
Protein change: p.Asp1048=; no amino-acid change (aspartic acid 1048 retained).
Molecular consequence: synonymous variant.
Genome position (GRCh38, 1-based): chrX:72,593,203, A>G on the plus strand (T>C on the coding strand, the complement: PHKA1 is on the minus strand). VCF-style: chrX-72593203-A-G. GRCh37 (hg19) VCF-style: chrX-71813053-A-G.
Other names: c.3105T>C, p.Asp1035= (NM_001122670.2); c.2928T>C, p.Asp976= (NM_001172436.2).
Identifiers: ClinVar variation 507934 (VCV000507934.6), dbSNP rs1556228374, ClinGen allele CA516751117.
Genomic context (GRCh38, chrX:72,593,203, plus strand): 5'-TGGAACTCTATTCAGTGCCCCATCCAGCCTTCTTCGGCGTTGCCATTGACCTTGACGACT[A>G]TCTTTAGATGACTGCTGATCATATGCACTAGGAAAGGACCCACTACTTGGAGTCATAGAG-3'
Protein context (NP_002628.2, residues 1038-1058): PSAYDQQSSK[Asp1048=]SRQGQWQRRR

ClinVar aggregate classification (germline): Likely benign. Review status: criteria provided, multiple submitters, no conflicts (2 of 4 stars). 2 submissions from 2 submitters: Likely benign (2). Last evaluated 2022-05-09.

Conditions:
Glycogen storage disease IXd (GSD9D). Also called: Muscle Phosphorylase Kinase Deficiency; GSD IXd. Identifiers: Orphanet 715, MedGen C1845151, MONDO:0010362, OMIM 300559.

Allele frequency attached by ClinVar (database versions not stated): gnomAD exomes 0.00001; TOPMed 0.00001.
gnomAD v4.1: 15 of 1,198,759 alleles (0.0013%); highest among the groups gnomAD compares: Admixed American, 0.0065%; no homozygotes.

Submissions (2):

Labcorp Genetics (formerly Invitae), Labcorp
Classification: Likely benign for Glycogen storage disease IXd. Last evaluated: 2022-05-09. Review status: criteria provided, single submitter. Criteria: Invitae Variant Classification Sherloc (09022015). Collection method: clinical testing. Allele origin: germline.

GeneDx
Classification: Likely benign. Last evaluated: 2017-03-27. Review status: criteria provided, single submitter. Criteria: GeneDx Variant Classification (06012015). Collection method: clinical testing. Allele origin: germline. Affected: yes.
Comment: This variant is considered likely benign or benign based on one or more of the following criteria: it is a conservative change, it occurs at a poorly conserved position in the protein, it is predicted to be benign by multiple in silico algorithms, and/or has population frequency not consistent with disease.